The following is an entry in ClinVar:

ClinVar aggregate classification (germline): Uncertain significance. Review status: criteria provided, multiple submitters, no conflicts (2 of 4 stars). 3 submissions from 3 submitters: Uncertain significance (3). Last evaluated 2025-08-14.

Conditions:
Schimke immuno-osseous dysplasia (SIOD). Also called: Schimke Immunoosseous Dysplasia. Identifiers: Orphanet 1830, MedGen C0877024, MONDO:0009458, OMIM 242900.
Inborn genetic diseases. Identifiers: MedGen C0950123, MeSH D030342.

Allele frequency attached by ClinVar (database versions not stated): gnomAD exomes below 0.00001.
gnomAD v4.1: 7 of 1,613,988 alleles (0.00043%); highest among the groups gnomAD compares: Middle Eastern, 0.016%; no homozygotes.

Submissions (3):

Ambry Genetics
Classification: Uncertain significance for Inborn genetic diseases. Last evaluated: 2025-08-14. Review status: criteria provided, single submitter. Criteria: Ambry Variant Classification Scheme 2023. Collection method: clinical testing. Allele origin: germline.

Fulgent Genetics
Classification: Uncertain significance for Schimke immuno-osseous dysplasia. Last evaluated: 2024-04-23. Review status: criteria provided, single submitter. Criteria: ACMG Guidelines, 2015. Collection method: clinical testing. Allele origin: germline.

Labcorp Genetics (formerly Invitae), Labcorp
Classification: Uncertain significance for Schimke immuno-osseous dysplasia. Last evaluated: 2021-08-27. Review status: criteria provided, single submitter. Criteria: Invitae Variant Classification Sherloc (09022015). Collection method: clinical testing. Allele origin: germline.
Comment: This sequence change replaces phenylalanine with isoleucine at codon 553 of the SMARCAL1 protein (p.Phe553Ile). The phenylalanine residue is moderately conserved and there is a small physicochemical difference between phenylalanine and isoleucine. This variant is not present in population databases (ExAC no frequency). This variant has not been reported in the literature in individuals affected with SMARCAL1-related conditions. Algorithms developed to predict the effect of missense changes on protein structure and function are either unavailable or do not agree on the potential impact of this missense change (SIFT: "Tolerated"; PolyPhen-2: "Probably Damaging"; Align-GVGD: "Class C0"). In summary, the available evidence is currently insufficient to determine the role of this variant in disease. Therefore, it has been classified as a Variant of Uncertain Significance.

NM_014140.4(SMARCAL1):c.1657T>A (p.Phe553Ile)

Gene: SMARCAL1 (SNF2 related chromatin remodeling annealing helicase 1; plus strand). Cytogenetic location: 2q35.
Variant type: single nucleotide variant.
Coding change: c.1657T>A on transcript NM_014140.4 (MANE Select); coding-DNA position 1657, T replaced by A.
Protein change: p.Phe553Ile; replaces phenylalanine 553 with isoleucine.
Molecular consequence: missense variant.
Genome position (GRCh38, 1-based): chr2:216,438,432, T>A. VCF-style: chr2-216438432-T-A. GRCh37 (hg19) VCF-style: chr2-217303155-T-A.
Other names: c.1657T>A (NM_014140.3); c.1657T>A, p.Phe553Ile (NM_001127207.2); short protein forms F553I.
Identifiers: ClinVar variation 1491864 (VCV001491864.7), dbSNP rs866600715, ClinGen allele CA65600673.